The following is an entry in ClinVar:

Conditions:
Breast-ovarian cancer, familial, susceptibility to, 1 (BROVCA1). Also called: BRCA1 Hereditary Breast and Ovarian Cancer; OVARIAN CANCER, SUSCEPTIBILITY TO. Identifiers: Orphanet 145, MedGen C2676676, MONDO:0011450, OMIM 604370. Disease mechanism: loss of function.

Submission:

Brotman Baty Institute, University of Washington
No classification provided (evidence only). Condition: Breast-ovarian cancer, familial 1. Review status: no classification provided. Collection method: in vitro. Allele origin: not applicable. Functional consequence: functionally_normal.
ClinVar note: "not provided" was previously submitted as the classification for the variant. However, the classification appeared to be based only on an observation of functional data so it was converted to no classification on 2025-07-30.

NM_007294.4(BRCA1):c.5267A>T (p.Gln1756Leu)

Gene: BRCA1 (BRCA1 DNA repair associated; minus strand). Cytogenetic location: 17q21.31.
Variant type: single nucleotide variant.
Coding change: c.5267A>T on transcript NM_007294.4 (MANE Select); coding-DNA position 5267, A replaced by T.
Protein change: p.Gln1756Leu; replaces glutamine 1756 with leucine.
Molecular consequence: missense variant. On other transcripts: non-coding transcript variant (1).
Genome position (GRCh38, 1-based): chr17:43,057,062, T>A on the plus strand (A>T on the coding strand, the complement: BRCA1 is on the minus strand). VCF-style: chr17-43057062-T-A. GRCh37 (hg19) VCF-style: chr17-41209079-T-A.
Other names: c.1832A>T, p.Gln611Leu (NM_001408432.1, NM_001408433.1, NM_001408434.1 and 10 more transcripts); c.1829A>T, p.Gln610Leu (NM_001408447.1, NM_001408448.1, NM_001408450.1 and 2 more transcripts); c.1823A>T, p.Gln608Leu (NM_001408451.1); c.1817A>T, p.Gln606Leu (NM_001408452.1, NM_001408453.1, NM_001408454.1 and 3 more transcripts); c.1814A>T, p.Gln605Leu (NM_001408467.1, NM_001408458.1, NM_001408459.1 and 7 more transcripts); c.1811A>T, p.Gln604Leu (NM_001408468.1, NM_001408469.1, NM_001408470.1); c.1955A>T, p.Gln652Leu (NM_001408472.1, NM_007298.4, NM_007299.4 and 13 more transcripts); c.1952A>T, p.Gln651Leu (NM_001408473.1, NM_001408392.1, NM_001408396.1 and 8 more transcripts); and 72 more; short protein forms Q1756L, Q1709L, Q1777L, Q652L, Q1587L, Q1602L, Q1643L, Q1687L.
Identifiers: ClinVar variation 865219 (VCV000865219.3), dbSNP rs1567764257, ClinGen allele CA10591020.